The following is an entry in ClinVar:

NM_007194.4(CHEK2):c.421A>C (p.Lys141Gln)

Gene: CHEK2 (checkpoint kinase 2; minus strand). Cytogenetic location: 22q12.1.
Variant type: single nucleotide variant.
Coding change: c.421A>C on transcript NM_007194.4 (MANE Select); coding-DNA position 421, A replaced by C.
Protein change: p.Lys141Gln; replaces lysine 141 with glutamine.
Molecular consequence: missense variant.
Genome position (GRCh38, 1-based): chr22:28,725,266, T>G on the plus strand (A>C on the coding strand, the complement: CHEK2 is on the minus strand). VCF-style: chr22-28725266-T-G. GRCh37 (hg19) VCF-style: chr22-29121254-T-G.
Other names: c.550A>C, p.Lys184Gln (NM_001005735.3); c.-357A>C (NM_001257387.3); c.421A>C, p.Lys141Gln (NM_001349956.3, NM_145862.3); short protein forms K184Q, K141Q.
Identifiers: ClinVar variation 1350041 (VCV001350041.7), dbSNP rs2146067437, ClinGen allele CA411107942.

ClinVar aggregate classification (germline): Uncertain significance (1 of 4 stars; one submission).

Conditions:
Familial cancer of breast. Also called: hereditary breast carcinoma; Hereditary breast cancer; BREAST CANCER, FAMILIAL. Identifiers: Orphanet 227535, MedGen C0346153, MONDO:0016419, OMIM 114480. Disease mechanism: loss of function.

Submission:

Labcorp Genetics (formerly Invitae), Labcorp
Classification: Uncertain significance for Familial cancer of breast. Last evaluated: 2022-03-07. Review status: criteria provided, single submitter. Criteria: Invitae Variant Classification Sherloc (09022015). Collection method: clinical testing. Allele origin: germline.
Comment: This sequence change replaces lysine, which is basic and polar, with glutamine, which is neutral and polar, at codon 141 of the CHEK2 protein (p.Lys141Gln). This variant is not present in population databases (gnomAD no frequency). This variant has not been reported in the literature in individuals affected with CHEK2-related conditions. Algorithms developed to predict the effect of missense changes on protein structure and function (SIFT, PolyPhen-2, Align-GVGD) all suggest that this variant is likely to be disruptive. In summary, the available evidence is currently insufficient to determine the role of this variant in disease. Therefore, it has been classified as a Variant of Uncertain Significance.